The following is an entry in ClinVar:

NM_002474.3(MYH11):c.3694G>C (p.Glu1232Gln)

Gene: MYH11 (myosin heavy chain 11; minus strand). Cytogenetic location: 16p13.11.
Variant type: single nucleotide variant.
Coding change: c.3694G>C on transcript NM_002474.3 (MANE Select); coding-DNA position 3694, G replaced by C.
Protein change: p.Glu1232Gln; replaces glutamic acid 1232 with glutamine.
Molecular consequence: missense variant.
Genome position (GRCh38, 1-based): chr16:15,727,012, C>G on the plus strand (G>C on the coding strand, the complement: MYH11 is on the minus strand). VCF-style: chr16-15727012-C-G. GRCh37 (hg19) VCF-style: chr16-15820869-C-G.
Other names: c.3694G>C (NM_002474.2); c.3715G>C, p.Glu1239Gln (NM_001040113.2, NM_001040114.2); c.3694G>C, p.Glu1232Gln (NM_022844.3); short protein forms E1239Q, E1232Q.
Identifiers: ClinVar variation 465728 (VCV000465728.8), dbSNP rs754761681, ClinGen allele CA7921916.

ClinVar aggregate classification (germline): Uncertain significance. Review status: criteria provided, multiple submitters, no conflicts (2 of 4 stars). 2 submissions from 2 submitters: Uncertain significance (2). Last evaluated 2024-06-13.

Conditions:
Familial thoracic aortic aneurysm and aortic dissection (TAAD). Also called: Thoracic aortic aneurysms and dissections. Identifiers: Orphanet 91387, MedGen C4707243, MONDO:0019625.
Aortic aneurysm, familial thoracic 4 (AAT4). Also called: AORTIC ANEURYSM/AORTIC DISSECTION AND PATENT DUCTUS ARTERIOSUS. Identifiers: MedGen C1851504, MONDO:0007568, OMIM 132900.

Allele frequency attached by ClinVar (database versions not stated): gnomAD exomes below 0.00001 and 0.00001; TOPMed below 0.00001; ExAC 0.00001; gnomAD 0.00001.
gnomAD v4.1: 15 of 1,611,868 alleles (0.00093%); highest among the groups gnomAD compares: Non-Finnish European, 0.0011%; no homozygotes.

Submissions (2):

Labcorp Genetics (formerly Invitae), Labcorp
Classification: Uncertain significance for Aortic aneurysm, familial thoracic 4. Last evaluated: 2024-06-13. Review status: criteria provided, single submitter. Criteria: Invitae Variant Classification Sherloc (09022015). Collection method: clinical testing. Allele origin: germline.
Comment: This sequence change replaces glutamic acid, which is acidic and polar, with glutamine, which is neutral and polar, at codon 1239 of the MYH11 protein (p.Glu1239Gln). This variant is present in population databases (rs754761681, gnomAD 0.002%). This variant has not been reported in the literature in individuals affected with MYH11-related conditions. ClinVar contains an entry for this variant (Variation ID: 465728). Advanced modeling of protein sequence and biophysical properties (such as structural, functional, and spatial information, amino acid conservation, physicochemical variation, residue mobility, and thermodynamic stability) performed at Invitae indicates that this missense variant is not expected to disrupt MYH11 protein function with a negative predictive value of 95%. In summary, the available evidence is currently insufficient to determine the role of this variant in disease. Therefore, it has been classified as a Variant of Uncertain Significance.

Ambry Genetics
Classification: Uncertain significance for Familial thoracic aortic aneurysm and aortic dissection. Last evaluated: 2024-04-05. Review status: criteria provided, single submitter. Criteria: Ambry Variant Classification Scheme 2023. Collection method: clinical testing. Allele origin: germline.
Comment: The p.E1232Q variant (also known as c.3694G>C), located in coding exon 27 of the MYH11 gene, results from a G to C substitution at nucleotide position 3694. The glutamic acid at codon 1232 is replaced by glutamine, an amino acid with highly similar properties. This amino acid position is conserved. In addition, the in silico prediction for this alteration is inconclusive. Based on the available evidence, the clinical significance of this variant remains unclear.